The following is an entry in ClinVar:

NM_004385.5(VCAN):c.7406C>T (p.Pro2469Leu)

Genes: VCAN (versican; plus strand), VCAN-AS1 (VCAN antisense RNA 1; minus strand). Cytogenetic location: 5q14.3.
Variant type: single nucleotide variant.
Coding change: c.7406C>T on transcript NM_004385.5 (MANE Select); coding-DNA position 7406, C replaced by T.
Protein change: p.Pro2469Leu; replaces proline 2469 with leucine.
Molecular consequence: missense variant. On other transcripts: intron variant (2).
Genome position (GRCh38, 1-based): chr5:83,540,409, C>T. VCF-style: chr5-83540409-C-T. GRCh37 (hg19) VCF-style: chr5-82836228-C-T.
Other names: c.4445C>T, p.Pro1482Leu (NM_001164097.2); c.4004-5128C>T (NM_001164098.2); c.1043-5128C>T (NM_001126336.3); short protein forms P1482L, P2469L.
Identifiers: ClinVar variation 3687836 (VCV003687836.2).
Genomic context (GRCh38, chr5:83,540,409, plus strand): 5'-AGGCAACCAGACAAGAAAGCAGCACCACATTTGTTTCTGATGGGTCCCTGGAAAAACATC[C>T]TGAGGTGCCAAGCGCTAAAGCTGTTACTGCTGATGGATTCCCAACAGTTTCAGTGATGCT-3'
Protein context (NP_004376.2, residues 2459-2479): FVSDGSLEKH[Pro2469Leu]EVPSAKAVTA

ClinVar aggregate classification (germline): Uncertain significance (1 of 4 stars; one submission).

gnomAD v4.1: 10 of 1,613,882 alleles (0.00062%); highest among the groups gnomAD compares: African/African-American, 0.0013%; no homozygotes.

Submission:

Labcorp Genetics (formerly Invitae), Labcorp
Classification: Uncertain significance. Last evaluated: 2024-09-27. Review status: criteria provided, single submitter. Criteria: Invitae Variant Classification Sherloc (09022015). Collection method: clinical testing. Allele origin: germline.
Comment: This sequence change replaces proline, which is neutral and non-polar, with leucine, which is neutral and non-polar, at codon 2469 of the VCAN protein (p.Pro2469Leu). This variant is not present in population databases (gnomAD no frequency). This variant has not been reported in the literature in individuals affected with VCAN-related conditions. An algorithm developed to predict the effect of missense changes on protein structure and function (PolyPhen-2) suggests that this variant is likely to be disruptive. In summary, the available evidence is currently insufficient to determine the role of this variant in disease. Therefore, it has been classified as a Variant of Uncertain Significance.